The following is an entry in ClinVar:

ClinVar aggregate classification (germline): Uncertain significance (1 of 4 stars; one submission).

gnomAD v4.1: 1 of 1,614,114 alleles (0.000062%); highest among the groups gnomAD compares: East Asian, 0.0022%; no homozygotes.

Submission:

Labcorp Genetics (formerly Invitae), Labcorp
Classification: Uncertain significance. Last evaluated: 2025-11-24. Review status: criteria provided, single submitter. Criteria: Invitae Variant Classification Sherloc (09022015). Collection method: clinical testing. Allele origin: germline.
Comment: This sequence change replaces threonine, which is neutral and polar, with serine, which is neutral and polar, at codon 128 of the COL11A2 protein (p.Thr128Ser). This variant is present in population databases (no rsID available, gnomAD 0.006%). This variant has not been reported in the literature in individuals affected with COL11A2-related conditions. Invitae Evidence Modeling of protein sequence and biophysical properties (such as structural, functional, and spatial information, amino acid conservation, physicochemical variation, residue mobility, and thermodynamic stability) indicates that this missense variant is not expected to disrupt COL11A2 protein function with a negative predictive value of 95%. In summary, the available evidence is currently insufficient to determine the role of this variant in disease. Therefore, it has been classified as a Variant of Uncertain Significance.

NM_080680.3(COL11A2):c.382A>T (p.Thr128Ser)

Gene: COL11A2 (collagen type XI alpha 2 chain; minus strand). Cytogenetic location: 6p21.32.
Variant type: single nucleotide variant.
Coding change: c.382A>T on transcript NM_080680.3 (MANE Select); coding-DNA position 382, A replaced by T.
Protein change: p.Thr128Ser; replaces threonine 128 with serine.
Molecular consequence: missense variant. On other transcripts: 5 prime UTR variant (3), non-coding transcript variant (1).
Genome position (GRCh38, 1-based): chr6:33,189,039, T>A on the plus strand (A>T on the coding strand, the complement: COL11A2 is on the minus strand). VCF-style: chr6-33189039-T-A. GRCh37 (hg19) VCF-style: chr6-33156816-T-A.
Other names: c.382A>T, p.Thr128Ser (NM_001163771.2, NM_001424108.1, NM_080679.3 and 1 more transcripts); c.-465A>T (NM_001424109.1, NM_001424110.1, NM_001424111.1); short protein forms T128S.
Identifiers: ClinVar variation 4749295 (VCV004749295.1).